The following is an entry in ClinVar:

NM_001098511.3(KIF2A):c.64+205G>C

Genes: KIF2A (kinesin family member 2A; plus strand), LOC129993961 (ATAC-STARR-seq lymphoblastoid silent region 16051; plus strand). Cytogenetic location: 5q12.1.
Variant type: single nucleotide variant.
Coding change: c.64+205G>C on transcript NM_001098511.3 (MANE Select); 205 bases into the intron after coding-DNA position 64, G replaced by C.
Molecular consequence: intron variant.
Genome position (GRCh38, 1-based): chr5:62,306,741, G>C. VCF-style: chr5-62306741-G-C. GRCh37 (hg19) VCF-style: chr5-61602568-G-C.
Other names: c.-221+205G>C (NM_001243952.2); c.64+205G>C (NM_004520.5, NM_001243953.2).
Identifiers: ClinVar variation 672373 (VCV000672373.1), dbSNP rs115555872, ClinGen allele CA120075760.
Genomic context (GRCh38, chr5:62,306,741, plus strand): 5'-CGTGTGTGCCAGTGAGGCCGGCTTGGGGTCCGCCCGGGCGCTGCTGCAGTTCTCCGGATC[G>C]GGCCGCGGGGGAGGGAAGCCGGGTGGGGAAAGGGCCCGGGTGTCGAGGGTCGCGTCTCCG-3'

ClinVar aggregate classification (germline): Benign (1 of 4 stars; one submission).

Allele frequency attached by ClinVar (database versions not stated): gnomAD 0.08925 and 0.08971; TOPMed 0.09351; 1000 Genomes Project 0.10743; 1000 Genomes Project 30x 0.11040.
gnomAD v4.1: 13,558 of 152,142 alleles (8.9%); highest among the groups gnomAD compares: African/African-American, 16%; 760 homozygotes.

Submission:

GeneDx
Classification: Benign. Last evaluated: 2018-06-14. Review status: criteria provided, single submitter. Criteria: GeneDx Variant Classification (06012015). Collection method: clinical testing. Allele origin: germline. Affected: yes.
Comment: This variant is considered likely benign or benign based on one or more of the following criteria: it is a conservative change, it occurs at a poorly conserved position in the protein, it is predicted to be benign by multiple in silico algorithms, and/or has population frequency not consistent with disease.